The following is an entry in ClinVar:

NM_012471.3(TRPC5):c.546G>T (p.Val182=)

Gene: TRPC5 (transient receptor potential cation channel subfamily C member 5; minus strand). Cytogenetic location: Xq23.
Variant type: single nucleotide variant.
Coding change: c.546G>T on transcript NM_012471.3 (MANE Select); coding-DNA position 546, G replaced by T.
Protein change: p.Val182=; no amino-acid change (valine 182 retained).
Molecular consequence: synonymous variant.
Genome position (GRCh38, 1-based): chrX:111,912,645, C>A on the plus strand (G>T on the coding strand, the complement: TRPC5 is on the minus strand). VCF-style: chrX-111912645-C-A. GRCh37 (hg19) VCF-style: chrX-111155873-C-A.
Identifiers: ClinVar variation 3356082 (VCV003356082.1).

ClinVar aggregate classification (germline): Likely benign (0 of 4 stars; one submission).

Conditions:
TRPC5-related disorder. Also called: TRPC5-related condition.

gnomAD v4.1: 1 of 1,209,128 alleles (0.000083%); highest among the groups gnomAD compares: Admixed American, 0.0022%; no homozygotes.

Submission:

PreventionGenetics, part of Exact Sciences
Classification: Likely benign for TRPC5-related condition. Last evaluated: 2024-07-05. Review status: no assertion criteria provided. Collection method: clinical testing. Allele origin: germline.
Comment: This variant is classified as likely benign based on ACMG/AMP sequence variant interpretation guidelines (Richards et al. 2015 PMID: 25741868, with internal and published modifications).